The following is an entry in ClinVar:

ClinVar aggregate classification (germline): Uncertain significance (1 of 4 stars; one submission).

Conditions:
Periodontitis, aggressive. Identifiers: MedGen C0031106, MONDO:0980757.
Papillon-Lefèvre syndrome (PALS). Also called: KERATOSIS PALMOPLANTARIS WITH PERIODONTOPATHIA; Papillon-Lefevre Disease. Identifiers: Orphanet 678, MedGen C0030360, MONDO:0009490, OMIM 245000.
Haim-Munk syndrome (HMS). Also called: COCHIN JEWISH DISORDER; KERATOSIS PALMOPLANTARIS WITH PERIODONTOPATHIA AND ONYCHOGRYPOSIS. Identifiers: Orphanet 2342, MedGen C1855627, MONDO:0009491, OMIM 245010.

gnomAD v4.1: 2 of 1,614,046 alleles (0.00012%); highest among the groups gnomAD compares: Non-Finnish European, 0.00017%; no homozygotes.

Submission:

Labcorp Genetics (formerly Invitae), Labcorp
Classification: Uncertain significance for Haim-Munk syndrome; Periodontitis, aggressive; Papillon-Lefèvre syndrome. Last evaluated: 2024-07-12. Review status: criteria provided, single submitter. Criteria: Invitae Variant Classification Sherloc (09022015). Collection method: clinical testing. Allele origin: germline.
Comment: This sequence change replaces proline, which is neutral and non-polar, with serine, which is neutral and polar, at codon 323 of the CTSC protein (p.Pro323Ser). This variant is not present in population databases (gnomAD no frequency). This variant has not been reported in the literature in individuals affected with CTSC-related conditions. Advanced modeling of protein sequence and biophysical properties (such as structural, functional, and spatial information, amino acid conservation, physicochemical variation, residue mobility, and thermodynamic stability) performed at Invitae indicates that this missense variant is not expected to disrupt CTSC protein function with a negative predictive value of 80%. In summary, the available evidence is currently insufficient to determine the role of this variant in disease. Therefore, it has been classified as a Variant of Uncertain Significance.

NM_001814.6(CTSC):c.967C>T (p.Pro323Ser)

Gene: CTSC (cathepsin C; minus strand). Cytogenetic location: 11q14.2.
Variant type: single nucleotide variant.
Coding change: c.967C>T on transcript NM_001814.6 (MANE Select); coding-DNA position 967, C replaced by T.
Protein change: p.Pro323Ser; replaces proline 323 with serine.
Molecular consequence: missense variant.
Genome position (GRCh38, 1-based): chr11:88,294,431, G>A on the plus strand (C>T on the coding strand, the complement: CTSC is on the minus strand). VCF-style: chr11-88294431-G-A. GRCh37 (hg19) VCF-style: chr11-88027599-G-A.
Other names: short protein forms P323S.
Identifiers: ClinVar variation 3751637 (VCV003751637.2).